The following is an entry in ClinVar:

ClinVar aggregate classification (germline): Likely benign. Review status: criteria provided, multiple submitters, no conflicts (2 of 4 stars). 3 submissions from 3 submitters: Likely benign (3). Last evaluated 2025-12-19.

Conditions:
Autosomal dominant childhood-onset proximal spinal muscular atrophy with contractures (SMALED2A). Also called: SPINAL MUSCULAR ATROPHY, LOWER EXTREMITY-PREDOMINANT, 2A, CHILDHOOD ONSET, AUTOSOMAL DOMINANT; Spinal muscular atrophy, lower extremity-predominant, 2A, autosomal dominant. Identifiers: Orphanet 363447, Orphanet 363454, MedGen C4747715, MONDO:0014121, OMIM 615290.
Inborn genetic diseases. Identifiers: MedGen C0950123, MeSH D030342.

Allele frequency attached by ClinVar (database versions not stated): gnomAD 0.00002; ExAC 0.00003; TOPMed 0.00004.
gnomAD v4.1: 63 of 1,612,922 alleles (0.0039%); highest among the groups gnomAD compares: Admixed American, 0.027%; no homozygotes.

Submissions (3):

Labcorp Genetics (formerly Invitae), Labcorp
Classification: Likely benign for Autosomal dominant childhood-onset proximal spinal muscular atrophy with contractures. Last evaluated: 2025-12-19. Review status: criteria provided, single submitter. Criteria: Invitae Variant Classification Sherloc (09022015). Collection method: clinical testing. Allele origin: germline.

CeGaT Center for Human Genetics Tuebingen
Classification: Likely benign. Last evaluated: 2023-03-01. Review status: criteria provided, single submitter. Criteria: CeGaT Center For Human Genetics Tuebingen Variant Classification Criteria Version 2. Collection method: clinical testing. Allele origin: germline. Affected: yes. Observed: 1 variant allele.
Comment: BICD2: BP4, BP7

Ambry Genetics
Classification: Likely benign for Inborn genetic diseases. Last evaluated: 2019-07-11. Review status: criteria provided, single submitter. Criteria: Ambry Variant Classification Scheme 2023. Collection method: clinical testing. Allele origin: germline.

NM_001003800.2(BICD2):c.2112C>T (p.Ala704=)

Gene: BICD2 (BICD cargo adaptor 2; minus strand). Cytogenetic location: 9q22.31.
Variant type: single nucleotide variant.
Coding change: c.2112C>T on transcript NM_001003800.2 (MANE Select); coding-DNA position 2112, C replaced by T.
Protein change: p.Ala704=; no amino-acid change (alanine 704 retained).
Molecular consequence: synonymous variant.
Genome position (GRCh38, 1-based): chr9:92,717,943, G>A on the plus strand (C>T on the coding strand, the complement: BICD2 is on the minus strand). VCF-style: chr9-92717943-G-A. GRCh37 (hg19) VCF-style: chr9-95480225-G-A.
Other names: c.2112C>T, p.Ala704= (NM_015250.4).
Identifiers: ClinVar variation 474271 (VCV000474271.34), dbSNP rs767670894, ClinGen allele CA5126386.
Genomic context (GRCh38, chr9:92,717,943, plus strand): 5'-CTCGGTAACCATGGCCTTCTCATTCTCATACTTGCTCTTCAGGTTGGCAAGGGCCACCTC[G>A]GCCGTCTGGGGGACAGATGTGTAGGGTGGAAAAGTGAAAGGCGTGAAGTCAGCCTAGAGG-3'
Protein context (NP_001003800.1, residues 694-714): RTVLKANKQT[Ala704=]EVALANLKSK